The following is an entry in ClinVar:

ClinVar aggregate classification (germline): Uncertain significance. Review status: criteria provided, multiple submitters, no conflicts (2 of 4 stars). 2 submissions from 2 submitters: Uncertain significance (2). Last evaluated 2026-02-26.

Conditions:
Inborn genetic diseases. Identifiers: MedGen C0950123, MeSH D030342.

Allele frequency attached by ClinVar (database versions not stated): gnomAD exomes below 0.00001.
gnomAD v4.1: 1 of 1,608,622 alleles (0.000062%); highest among the groups gnomAD compares: Non-Finnish European, 0.000085%; no homozygotes.

Submissions (2):

Ambry Genetics
Classification: Uncertain significance for Inborn genetic diseases. Last evaluated: 2026-02-26. Review status: criteria provided, single submitter. Criteria: Ambry Variant Classification Scheme 2023. Collection method: clinical testing. Allele origin: germline.

CeGaT Center for Human Genetics Tuebingen
Classification: Uncertain significance. Last evaluated: 2024-05-01. Review status: criteria provided, single submitter. Criteria: CeGaT Center For Human Genetics Tuebingen Variant Classification Criteria Version 2. Collection method: clinical testing. Allele origin: germline. Affected: yes. Observed: 1 variant allele.
Comment: RERE: PM2

NM_001042681.2(RERE):c.4159C>T (p.Arg1387Trp)

Gene: RERE (arginine-glutamic acid dipeptide repeats; minus strand). Cytogenetic location: 1p36.23.
Variant type: single nucleotide variant.
Coding change: c.4159C>T on transcript NM_001042681.2 (MANE Select); coding-DNA position 4159, C replaced by T.
Protein change: p.Arg1387Trp; replaces arginine 1387 with tryptophan.
Molecular consequence: missense variant.
Genome position (GRCh38, 1-based): chr1:8,358,376, G>A on the plus strand (C>T on the coding strand, the complement: RERE is on the minus strand). VCF-style: chr1-8358376-G-A. GRCh37 (hg19) VCF-style: chr1-8418436-G-A.
Other names: c.2497C>T, p.Arg833Trp (NM_001042682.2); c.4159C>T, p.Arg1387Trp (NM_012102.4); c.4159C>T (NM_012102.3); short protein forms R1387W, R833W.
Identifiers: ClinVar variation 3239481 (VCV003239481.19), dbSNP rs1641386647.